The following is an entry in ClinVar:

NM_152703.5(SAMD9L):c.3141T>G (p.Tyr1047Ter)

Gene: SAMD9L (sterile alpha motif domain containing 9 like; minus strand). Cytogenetic location: 7q21.2.
Variant type: single nucleotide variant.
Coding change: c.3141T>G on transcript NM_152703.5 (MANE Select); coding-DNA position 3141, T replaced by G.
Protein change: p.Tyr1047Ter; replaces tyrosine 1047 with a stop codon.
Molecular consequence: nonsense.
Genome position (GRCh38, 1-based): chr7:93,132,831, A>C on the plus strand (T>G on the coding strand, the complement: SAMD9L is on the minus strand). VCF-style: chr7-93132831-A-C. GRCh37 (hg19) VCF-style: chr7-92762144-A-C.
Other names: c.3141T>G, p.Tyr1047Ter (NM_001303496.3, NM_001303497.3, NM_001303498.3 and 5 more transcripts); short protein forms Y1047*.
Identifiers: ClinVar variation 4759770 (VCV004759770.1).

ClinVar aggregate classification (germline): Uncertain significance (1 of 4 stars; one submission).

Submission:

Labcorp Genetics (formerly Invitae), Labcorp
Classification: Uncertain significance. Last evaluated: 2025-07-06. Review status: criteria provided, single submitter. Criteria: Invitae Variant Classification Sherloc (09022015). Collection method: clinical testing. Allele origin: germline.
Comment: This sequence change creates a premature translational stop signal (p.Tyr1047*) in the SAMD9L gene. While this is not anticipated to result in nonsense mediated decay, it is expected to disrupt the last 538 amino acid(s) of the SAMD9L protein. This variant is not present in population databases (gnomAD no frequency). This variant has not been reported in the literature in individuals affected with SAMD9L-related conditions. In summary, the available evidence is currently insufficient to determine the role of this variant in disease. Therefore, it has been classified as a Variant of Uncertain Significance.